The following is an entry in ClinVar:

ClinVar aggregate classification (germline): Uncertain significance (1 of 4 stars; one submission).

Submission:

Labcorp Genetics (formerly Invitae), Labcorp
Classification: Uncertain significance. Last evaluated: 2023-03-14. Review status: criteria provided, single submitter. Criteria: Invitae Variant Classification Sherloc (09022015). Collection method: clinical testing. Allele origin: germline.
Comment: In summary, the available evidence is currently insufficient to determine the role of this variant in disease. Therefore, it has been classified as a Variant of Uncertain Significance. Algorithms developed to predict the effect of sequence changes on RNA splicing suggest that this variant may create or strengthen a splice site. An algorithm developed to predict the effect of missense changes on protein structure and function (PolyPhen-2) suggests that this variant is likely to be tolerated. This variant has not been reported in the literature in individuals affected with XPO5-related conditions. This variant is not present in population databases (gnomAD no frequency). This sequence change replaces alanine, which is neutral and non-polar, with glycine, which is neutral and non-polar, at codon 719 of the XPO5 protein (p.Ala719Gly).

NM_020750.3(XPO5):c.2156C>G (p.Ala719Gly)

Genes: POLR1C (RNA polymerase I and III subunit C; plus strand), XPO5 (exportin 5; minus strand), LOC126859677 (BRD4-independent group 4 enhancer GRCh37_chr6:43514706-43515905; plus strand). Cytogenetic location: 6p21.1.
Variant type: single nucleotide variant.
Coding change: c.2156C>G on transcript NM_020750.3 (MANE Select); coding-DNA position 2156, C replaced by G.
Protein change: p.Ala719Gly; replaces alanine 719 with glycine.
Molecular consequence: missense variant. On other transcripts: non-coding transcript variant (1), intron variant (1).
Genome position (GRCh38, 1-based): chr6:43,547,612, G>C on the plus strand (C>G on the coding strand, the complement: XPO5 is on the minus strand). VCF-style: chr6-43547612-G-C. GRCh37 (hg19) VCF-style: chr6-43515349-G-C.
Other names: c.923-3356G>C (NM_001363658.2); short protein forms A719G.
Identifiers: ClinVar variation 2819746 (VCV002819746.3), dbSNP rs1795022004, ClinGen allele CA364237984.